The following is an entry in ClinVar:

ClinVar aggregate classification (germline): Benign. Review status: criteria provided, multiple submitters, no conflicts (2 of 4 stars). 4 submissions from 4 submitters: Benign (4). Last evaluated 2026-02-04.

Conditions:
Donnai-Barrow syndrome. Also called: DBS/FOAR SYNDROME; FACIOOCULOACOUSTICORENAL SYNDROME. Identifiers: Orphanet 2143, MedGen C1857277, MONDO:0009104, OMIM 222448.

Allele frequency attached by ClinVar (database versions not stated): gnomAD exomes 0.00125 and 0.00352; ExAC 0.00452; ESP Exome Variant Server 0.01276; gnomAD 0.01309 and 0.01397; TOPMed 0.01452; 1000 Genomes Project 0.01957; 1000 Genomes Project 30x 0.02030.
gnomAD v4.1: 3,903 of 1,614,142 alleles (0.24%); highest among the groups gnomAD compares: African/African-American, 4.5%; 72 homozygotes.

Submissions (4):

Labcorp Genetics (formerly Invitae), Labcorp
Classification: Benign. Last evaluated: 2026-02-04. Review status: criteria provided, single submitter. Criteria: Invitae Variant Classification Sherloc (09022015). Collection method: clinical testing. Allele origin: germline.

Genome-Nilou Lab
Classification: Benign for Donnai-Barrow syndrome. Last evaluated: 2021-07-15. Review status: criteria provided, single submitter. Criteria: ACMG Guidelines, 2015. Collection method: clinical testing. Allele origin: germline. Affected: no.

Illumina Laboratory Services, Illumina
Classification: Benign for Donnai-Barrow syndrome. Last evaluated: 2018-01-13. Review status: criteria provided, single submitter. Criteria: ICSL Variant Classification Criteria 13 December 2019. Collection method: clinical testing. Allele origin: germline.
Comment: This variant was observed in the ICSL laboratory as part of a predisposition screen in an ostensibly healthy population. It had not been previously curated by ICSL or reported in the Human Gene Mutation Database (HGMD: prior to June 1st, 2018), and was therefore a candidate for classification through an automated scoring system. Utilizing variant allele frequency, disease prevalence and penetrance estimates, and inheritance mode, an automated score was calculated to assess if this variant is too frequent to cause the disease. Based on the score and internal cut-off values, a variant classified as benign is not then subjected to further curation. The score for this variant resulted in a classification of benign for this disease.

Breakthrough Genomics
Classification: Benign. Review status: criteria provided, single submitter. Criteria: ACMG Guidelines, 2015. Collection method: not provided. Allele origin: germline. Inheritance: Autosomal recessive inheritance. Affected: yes.

NM_004525.3(LRP2):c.6810G>A (p.Val2270=)

Gene: LRP2 (LDL receptor related protein 2; minus strand). Cytogenetic location: 2q31.1.
Variant type: single nucleotide variant.
Coding change: c.6810G>A on transcript NM_004525.3 (MANE Select); coding-DNA position 6810, G replaced by A.
Protein change: p.Val2270=; no amino-acid change (valine 2270 retained).
Molecular consequence: synonymous variant.
Genome position (GRCh38, 1-based): chr2:169,206,910, C>T on the plus strand (G>A on the coding strand, the complement: LRP2 is on the minus strand). VCF-style: chr2-169206910-C-T. GRCh37 (hg19) VCF-style: chr2-170063420-C-T.
Identifiers: ClinVar variation 332140 (VCV000332140.18), dbSNP rs2228170, ClinGen allele CA1954215.
Genomic context (GRCh38, chr2:169,206,910, plus strand): 5'-GATAGAATTTTCAAAAACAGTGATGCCATAAGGAGTTGGGTAACGACTGCCATAACGAAT[C>T]ACTTCAGAGTTCTCTCCATTGATACGAATCCTTGCAATTATATCTAAAGAATCATCAACC-3'
Protein context (NP_004516.2, residues 2260-2280): RIRINGENSE[Val2270=]IRYGSRYPTP